The following is an entry in ClinVar:

NM_172364.5(CACNA2D4):c.2452C>T (p.Arg818Cys)

Gene: CACNA2D4 (calcium voltage-gated channel auxiliary subunit alpha2delta 4; minus strand). Cytogenetic location: 12p13.33.
Variant type: single nucleotide variant.
Coding change: c.2452C>T on transcript NM_172364.5 (MANE Select); coding-DNA position 2452, C replaced by T.
Protein change: p.Arg818Cys; replaces arginine 818 with cysteine.
Molecular consequence: missense variant.
Genome position (GRCh38, 1-based): chr12:1,844,420, G>A on the plus strand (C>T on the coding strand, the complement: CACNA2D4 is on the minus strand). VCF-style: chr12-1844420-G-A. GRCh37 (hg19) VCF-style: chr12-1953586-G-A.
Other names: short protein forms R818C.
Identifiers: ClinVar variation 1467516 (VCV001467516.6), dbSNP rs919337671, ClinGen allele CA231558637.

ClinVar aggregate classification (germline): Uncertain significance (1 of 4 stars; one submission).

Allele frequency attached by ClinVar (database versions not stated): gnomAD exomes 0.00001.
gnomAD v4.1: 16 of 1,613,590 alleles (0.00099%); highest among the groups gnomAD compares: South Asian, 0.0033%; no homozygotes.

Submission:

Labcorp Genetics (formerly Invitae), Labcorp
Classification: Uncertain significance. Last evaluated: 2022-08-23. Review status: criteria provided, single submitter. Criteria: Invitae Variant Classification Sherloc (09022015). Collection method: clinical testing. Allele origin: germline.
Comment: In summary, the available evidence is currently insufficient to determine the role of this variant in disease. Therefore, it has been classified as a Variant of Uncertain Significance. Algorithms developed to predict the effect of missense changes on protein structure and function are either unavailable or do not agree on the potential impact of this missense change (SIFT: "Tolerated"; PolyPhen-2: "Possibly Damaging"; Align-GVGD: "Class C0"). ClinVar contains an entry for this variant (Variation ID: 1467516). This variant has not been reported in the literature in individuals affected with CACNA2D4-related conditions. The frequency data for this variant in the population databases is considered unreliable, as metrics indicate poor data quality at this position in the gnomAD database. This sequence change replaces arginine, which is basic and polar, with cysteine, which is neutral and slightly polar, at codon 818 of the CACNA2D4 protein (p.Arg818Cys).